The following is an entry in ClinVar:

NM_007289.4(MME):c.1520A>G (p.Tyr507Cys)

Gene: MME (membrane metalloendopeptidase; plus strand). Cytogenetic location: 3q25.2.
Variant type: single nucleotide variant.
Coding change: c.1520A>G on transcript NM_007289.4 (MANE Select); coding-DNA position 1520, A replaced by G.
Protein change: p.Tyr507Cys; replaces tyrosine 507 with cysteine.
Molecular consequence: missense variant.
Genome position (GRCh38, 1-based): chr3:155,148,572, A>G. VCF-style: chr3-155148572-A-G. GRCh37 (hg19) VCF-style: chr3-154866361-A-G.
Other names: c.1520A>G, p.Tyr507Cys (NM_000902.5, NM_001354642.2, NM_001354643.1 and 2 more transcripts); c.1520A>G (NM_007289.2); short protein forms Y507C.
Identifiers: ClinVar variation 1486041 (VCV001486041.10), dbSNP rs367899772, ClinGen allele CA2675549.

ClinVar aggregate classification (germline): Uncertain significance. Review status: criteria provided, multiple submitters, no conflicts (2 of 4 stars). 4 submissions from 4 submitters: Uncertain significance (4). Last evaluated 2024-09-03.

Conditions:
MME-related autosomal dominant Charcot Marie Tooth disease type 2. Identifiers: Orphanet 497757, MedGen C5567450, MONDO:0044657.
Inborn genetic diseases. Identifiers: MedGen C0950123, MeSH D030342.

Allele frequency attached by ClinVar (database versions not stated): ExAC 0.00001; gnomAD 0.00001; gnomAD exomes 0.00001 and 0.00002; TOPMed 0.00002; ESP Exome Variant Server 0.00008.
gnomAD v4.1: 33 of 1,608,894 alleles (0.0021%); highest among the groups gnomAD compares: Non-Finnish European, 0.0026%; no homozygotes.

Submissions (4):

Women's Health and Genetics/Laboratory Corporation of America, LabCorp
Classification: Uncertain significance. Last evaluated: 2024-09-03. Review status: criteria provided, single submitter. Criteria: LabCorp Variant Classification Summary - May 2015. Collection method: clinical testing. Allele origin: germline.
Comment: Variant summary: MME c.1520A>G (p.Tyr507Cys) results in a non-conservative amino acid change in the encoded protein sequence. Five of five in-silico tools predict a damaging effect of the variant on protein function. The variant allele was found at a frequency of 8e-06 in 250794 control chromosomes. The available data on variant occurrences in the general population are insufficient to allow any conclusion about variant significance. To our knowledge, no occurrence of c.1520A>G in individuals affected with Charcot-Marie Disease Axonal Type 2T and no experimental evidence demonstrating its impact on protein function have been reported. ClinVar contains an entry for this variant (Variation ID: 1486041). Based on the evidence outlined above, the variant was classified as uncertain significance.

Molecular Genetics, Royal Melbourne Hospital
Classification: Uncertain significance for MME-related autosomal dominant Charcot Marie Tooth disease type 2. Last evaluated: 2023-11-05. Review status: criteria provided, single submitter. Criteria: ACMG Guidelines, 2015. Collection method: clinical testing. Allele origin: germline. Inheritance: Semidominant inheritance. Affected: yes.
Comment: This sequence change in MME is predicted to replace tyrosine with cysteine at codon 507, p.(Tyr507Cys). The tyrosine residue is highly conserved (100 vertebrates, UCSC), and is located in the peptidase M13 domain. There is a large physicochemical difference between tyrosine and cysteine. The highest population minor allele frequency in the population database gnomAD v2.1 is 0.002% (2/113,402 alleles) in the European (non-Finnish) population, which is consistent with MME-neuropathy. This variant has been reported in multiple individuals with a phenotype consistent with MME-neuropathy (PMID: 33144514; Invitae personal communication). Computational evidence predicts a deleterious effect for the missense substitution (REVEL = 0.888). Based on the classification scheme RMH Modified ACMG/AMP Guidelines v1.6.1, this variant is classified as a VARIANT OF UNCERTAIN SIGNIFICANCE. Following criteria are met: PM2_Supporting, PP3, PS4_Supporting.

Ambry Genetics
Classification: Uncertain significance for Inborn genetic diseases. Last evaluated: 2023-02-23. Review status: criteria provided, single submitter. Criteria: Ambry Variant Classification Scheme 2023. Collection method: clinical testing. Allele origin: germline.

Labcorp Genetics (formerly Invitae), Labcorp
Classification: Uncertain significance. Last evaluated: 2022-06-03. Review status: criteria provided, single submitter. Criteria: Invitae Variant Classification Sherloc (09022015). Collection method: clinical testing. Allele origin: germline.
Comment: This variant has not been reported in the literature in individuals affected with MME-related conditions. ClinVar contains an entry for this variant (Variation ID: 1486041). This variant is present in population databases (rs367899772, gnomAD 0.0009%). This sequence change replaces tyrosine, which is neutral and polar, with cysteine, which is neutral and slightly polar, at codon 507 of the MME protein (p.Tyr507Cys). Algorithms developed to predict the effect of missense changes on protein structure and function are either unavailable or do not agree on the potential impact of this missense change (SIFT: "Deleterious"; PolyPhen-2: "Probably Damaging"; Align-GVGD: "Class C0"). In summary, the available evidence is currently insufficient to determine the role of this variant in disease. Therefore, it has been classified as a Variant of Uncertain Significance.

Literature cited by the submitters: PubMed 33144514 (cited by Molecular Genetics, Royal Melbourne Hospital).